The following is an entry in ClinVar:

ClinVar aggregate classification (germline): Benign/Likely benign. Review status: criteria provided, multiple submitters, no conflicts (2 of 4 stars). 6 submissions from 5 submitters: Benign (5); Likely benign (1). Last evaluated 2026-01-26.

Conditions:
Exostoses, multiple, type 1 (EXT1). Also called: Hereditary Multiple Osteochondromatosis, Type I; EXOSTOSES, MULTIPLE, TYPE I. Identifiers: MedGen CN263289, MONDO:0007585, OMIM 133700.
Exostoses, multiple, type 2 (EXT2). Also called: Hereditary Multiple Osteochondromatosis, Type II; EXOSTOSES, MULTIPLE, TYPE II. Identifiers: Orphanet 321, MedGen C1851413, MONDO:0007586, OMIM 133701.

Allele frequency attached by ClinVar (database versions not stated): gnomAD exomes 0.00208 and 0.00481; ExAC 0.00569; gnomAD 0.01198 and 0.01271; TOPMed 0.01398; 1000 Genomes Project 30x 0.01421; ESP Exome Variant Server 0.01461; 1000 Genomes Project 0.01498.
gnomAD v4.1: 5,014 of 1,614,210 alleles (0.31%); highest among the groups gnomAD compares: African/African-American, 4%; 78 homozygotes.

Submissions (6):

Labcorp Genetics (formerly Invitae), Labcorp
Classification: Benign for Exostoses, multiple, type 2. Last evaluated: 2026-01-26. Review status: criteria provided, single submitter. Criteria: Invitae Variant Classification Sherloc (09022015). Collection method: clinical testing. Allele origin: germline.

KCCC/NGS Laboratory, Kuwait Cancer Control Center
Classification: Benign for Exostoses, multiple, type 2. Last evaluated: 2025-02-01. Review status: criteria provided, single submitter. Criteria: ACMG Guidelines, 2015. Collection method: clinical testing. Allele origin: germline. Affected: no.

KCCC/NGS Laboratory, Kuwait Cancer Control Center
Classification: Likely benign for Exostoses, multiple, type 1. Last evaluated: 2023-07-07. Review status: criteria provided, single submitter. Criteria: ACMG Guidelines, 2015. Collection method: clinical testing. Allele origin: germline. Affected: yes.

GeneDx
Classification: Benign. Last evaluated: 2021-07-09. Review status: criteria provided, single submitter. Criteria: GeneDx Variant Classification Process June 2021. Collection method: clinical testing. Allele origin: germline. Affected: yes.

Illumina Laboratory Services, Illumina
Classification: Benign for Exostoses, multiple, type 2. Last evaluated: 2018-01-12. Review status: criteria provided, single submitter. Criteria: ICSL Variant Classification Criteria 13 December 2019. Collection method: clinical testing. Allele origin: germline.
Comment: This variant was observed in the ICSL laboratory as part of a predisposition screen in an ostensibly healthy population. It had not been previously curated by ICSL or reported in the Human Gene Mutation Database (HGMD: prior to June 1st, 2018), and was therefore a candidate for classification through an automated scoring system. Utilizing variant allele frequency, disease prevalence and penetrance estimates, and inheritance mode, an automated score was calculated to assess if this variant is too frequent to cause the disease. Based on the score and internal cut-off values, a variant classified as benign is not then subjected to further curation. The score for this variant resulted in a classification of benign for this disease.

Breakthrough Genomics
Classification: Benign. Review status: criteria provided, single submitter. Criteria: ACMG Guidelines, 2015. Collection method: not provided. Allele origin: germline. Inheritance: Autosomal recessive inheritance. Affected: yes.

NM_207122.2(EXT2):c.999T>C (p.Asp333=)

Gene: EXT2 (exostosin glycosyltransferase 2; plus strand). Cytogenetic location: 11p11.2.
Variant type: single nucleotide variant.
Coding change: c.999T>C on transcript NM_207122.2 (MANE Select); coding-DNA position 999, T replaced by C.
Protein change: p.Asp333=; no amino-acid change (aspartic acid 333 retained).
Molecular consequence: synonymous variant.
Genome position (GRCh38, 1-based): chr11:44,126,875, T>C. VCF-style: chr11-44126875-T-C. GRCh37 (hg19) VCF-style: chr11-44148425-T-C.
Other names: c.1098T>C, p.Asp366= (NM_000401.3); c.999T>C, p.Asp333= (NM_001178083.3, NM_001389628.1, NM_001389630.1).
Identifiers: ClinVar variation 304584 (VCV000304584.19), dbSNP rs61733300, ClinGen allele CA5955071.
Genomic context (GRCh38, chr11:44,126,875, plus strand): 5'-GGAGGCTACTTTCTGTGTGGTTCTTCGTGGAGCTCGGCTGGGCCAGGCAGTATTGAGCGA[T>C]GTGTTACAAGCTGGCTGTGTCCCGGTTGTCATTGCAGACTCCTATATTTTGCCTTTCTCT-3'
Protein context (NP_997005.1, residues 323-343): GARLGQAVLS[Asp333=]VLQAGCVPVV